The following is an entry in ClinVar:

ClinVar aggregate classification (germline): Uncertain significance (1 of 4 stars; one submission).

Conditions:
Hereditary cancer-predisposing syndrome. Also called: Hereditary neoplastic syndrome; Neoplastic Syndromes, Hereditary; Tumor predisposition; Hereditary Cancer Syndrome. Identifiers: Orphanet 140162, MedGen C0027672, MeSH D009386, MONDO:0015356.

Submission:

Ambry Genetics
Classification: Uncertain significance for Hereditary cancer-predisposing syndrome. Last evaluated: 2025-09-14. Review status: criteria provided, single submitter. Criteria: Ambry Variant Classification Scheme 2023. Collection method: clinical testing. Allele origin: germline.
Comment: The p.D560H variant (also known as c.1678G>C), located in coding exon 11 of the NBN gene, results from a G to C substitution at nucleotide position 1678. The aspartic acid at codon 560 is replaced by histidine, an amino acid with similar properties. This amino acid position is conserved. In addition, this alteration is predicted to be tolerated by in silico analysis. Based on the available evidence, the clinical significance of this variant remains unclear.

NM_002485.5(NBN):c.1678G>C (p.Asp560His)

Gene: NBN (nibrin; minus strand). Cytogenetic location: 8q21.3.
Variant type: single nucleotide variant.
Coding change: c.1678G>C on transcript NM_002485.5 (MANE Select); coding-DNA position 1678, G replaced by C.
Protein change: p.Asp560His; replaces aspartic acid 560 with histidine.
Molecular consequence: missense variant.
Genome position (GRCh38, 1-based): chr8:89,953,411, C>G on the plus strand (G>C on the coding strand, the complement: NBN is on the minus strand). VCF-style: chr8-89953411-C-G. GRCh37 (hg19) VCF-style: chr8-90965639-C-G.
Other names: c.1432G>C, p.Asp478His (NM_001024688.3, NM_001440379.1, NM_001440380.1); short protein forms D560H, D478H.
Identifiers: ClinVar variation 4117283 (VCV004117283.1).